The following is an entry in ClinVar:

ClinVar aggregate classification (germline): Uncertain significance (1 of 4 stars; one submission).

gnomAD v4.1: 3 of 1,614,218 alleles (0.00019%); highest among the groups gnomAD compares: Non-Finnish European, 0.00025%; no homozygotes.

Submission:

Ambry Genetics
Classification: Uncertain significance. Last evaluated: 2026-02-19. Review status: criteria provided, single submitter. Criteria: Ambry Variant Classification Scheme 2023. Collection method: clinical testing. Allele origin: germline.
Comment: The p.A1185V variant (also known as c.3554C>T), located in coding exon 13 of the CDK12 gene, results from a C to T substitution at nucleotide position 3554. The alanine at codon 1185 is replaced by valine, an amino acid with similar properties. This amino acid position is conserved. In addition, this alteration is predicted to be tolerated by in silico analysis. Based on the available evidence, the clinical significance of this variant remains unclear.

NM_016507.4(CDK12):c.3554C>T (p.Ala1185Val)

Gene: CDK12 (cyclin dependent kinase 12; plus strand). Cytogenetic location: 17q12.
Variant type: single nucleotide variant.
Coding change: c.3554C>T on transcript NM_016507.4 (MANE Select); coding-DNA position 3554, C replaced by T.
Protein change: p.Ala1185Val; replaces alanine 1185 with valine.
Molecular consequence: missense variant.
Genome position (GRCh38, 1-based): chr17:39,526,110, C>T. VCF-style: chr17-39526110-C-T. GRCh37 (hg19) VCF-style: chr17-37682363-C-T.
Other names: c.3554C>T, p.Ala1185Val (NM_015083.4); short protein forms A1185V.
Identifiers: ClinVar variation 3265420 (VCV003265420.2).